The following is an entry in ClinVar:

ClinVar aggregate classification (germline): Uncertain significance (1 of 4 stars; one submission).

Conditions:
EGFR-related lung cancer (EGFR). Identifiers: MedGen CN130014.

Submission:

Labcorp Genetics (formerly Invitae), Labcorp
Classification: Uncertain significance for EGFR-related lung cancer. Last evaluated: 2023-07-10. Review status: criteria provided, single submitter. Criteria: Invitae Variant Classification Sherloc (09022015). Collection method: clinical testing. Allele origin: germline.
Comment: Advanced modeling of protein sequence and biophysical properties (such as structural, functional, and spatial information, amino acid conservation, physicochemical variation, residue mobility, and thermodynamic stability) performed at Invitae indicates that this missense variant is not expected to disrupt EGFR protein function. In summary, the available evidence is currently insufficient to determine the role of this variant in disease. Therefore, it has been classified as a Variant of Uncertain Significance. This variant has not been reported in the literature in individuals affected with EGFR-related conditions. This variant is not present in population databases (gnomAD no frequency). This sequence change replaces aspartic acid, which is acidic and polar, with valine, which is neutral and non-polar, at codon 460 of the EGFR protein (p.Asp460Val).

NM_005228.5(EGFR):c.1379A>T (p.Asp460Val)

Gene: EGFR (epidermal growth factor receptor; plus strand). Cytogenetic location: 7p11.2.
Variant type: single nucleotide variant.
Coding change: c.1379A>T on transcript NM_005228.5 (MANE Select); coding-DNA position 1379, A replaced by T.
Protein change: p.Asp460Val; replaces aspartic acid 460 with valine.
Molecular consequence: missense variant.
Genome position (GRCh38, 1-based): chr7:55,160,219, A>T. VCF-style: chr7-55160219-A-T. GRCh37 (hg19) VCF-style: chr7-55227912-A-T.
Other names: c.1244A>T, p.Asp415Val (NM_001346897.2, NM_001346899.2); c.1379A>T, p.Asp460Val (NM_001346898.2, NM_201282.2, NM_201284.2); c.1220A>T, p.Asp407Val (NM_001346900.2); c.578A>T, p.Asp193Val (NM_001346941.2); short protein forms D415V, D460V, D193V, D407V.
Identifiers: ClinVar variation 2740470 (VCV002740470.3), dbSNP rs2535547972, ClinGen allele CA367579478.